The following is an entry in ClinVar:

ClinVar aggregate classification (germline): Likely pathogenic, low penetrance (1 of 4 stars; one submission).

Conditions:
Factor I deficiency (CFID). Also called: Complement factor I deficiency. Identifiers: Orphanet 200418, MedGen C3463916, MONDO:0012594, OMIM 610984.

Submission:

Genomenon, Inc
Classification: Likely pathogenic, low penetrance for Factor I deficiency. Last evaluated: 2025-09-26. Review status: criteria provided, single submitter. Criteria: Genomenon Sequence Variant Interpretation Standards - Updated. Collection method: curation. Allele origin: germline. Affected: yes.
Comment: CFI p.Cys196Ser (c.587G>C) is a missense variant that changes the amino acid at residue 196 from Cysteine to Serine. This variant has been observed in at least one proband affected with complement factor I deficiency (PMID:22926405). At least one functional study has demonstrated a substantial alteration in protein function relative to the wild-type (PMID:22926405). It is absent or not present at a significant frequency in gnomAD. In silico models agree that this variant is possibly or probably damaging. In conclusion, we classify CFI p.Cys196Ser (c.587G>C) as a likely pathogenic, low penetrance variant.

Literature cited by the submitters: PubMed 22926405.

NM_000204.5(CFI):c.587G>C (p.Cys196Ser)

Gene: CFI (complement factor I; minus strand). Cytogenetic location: 4q25.
Variant type: single nucleotide variant.
Coding change: c.587G>C on transcript NM_000204.5 (MANE Select); coding-DNA position 587, G replaced by C.
Protein change: p.Cys196Ser; replaces cysteine 196 with serine.
Molecular consequence: missense variant. On other transcripts: 5 prime UTR variant (1), non-coding transcript variant (3).
Genome position (GRCh38, 1-based): chr4:109,761,588, C>G on the plus strand (G>C on the coding strand, the complement: CFI is on the minus strand). VCF-style: chr4-109761588-C-G. GRCh37 (hg19) VCF-style: chr4-110682744-C-G.
Other names: c.587G>C, p.Cys196Ser (NM_001318057.2, NM_001331035.2, NM_001375278.1 and 10 more transcripts); c.-23G>C (NM_001375284.1); short protein forms C196S.
Identifiers: ClinVar variation 4280433 (VCV004280433.1).